The following is an entry in ClinVar:

ClinVar aggregate classification (germline): Uncertain significance (1 of 4 stars; one submission).

Allele frequency attached by ClinVar (database versions not stated): ExAC 0.00001; gnomAD exomes 0.00001; TOPMed 0.00002; gnomAD 0.00003.
gnomAD v4.1: 16 of 1,585,660 alleles (0.001%); highest among the groups gnomAD compares: Non-Finnish European, 0.0014%; no homozygotes.

Submission:

Labcorp Genetics (formerly Invitae), Labcorp
Classification: Uncertain significance. Last evaluated: 2024-01-29. Review status: criteria provided, single submitter. Criteria: Invitae Variant Classification Sherloc (09022015). Collection method: clinical testing. Allele origin: germline.
Comment: This sequence change replaces valine, which is neutral and non-polar, with leucine, which is neutral and non-polar, at codon 84 of the TMED7 protein (p.Val84Leu). This variant is present in population databases (rs780112816, gnomAD 0.001%). This variant has not been reported in the literature in individuals affected with TMED7-related conditions. ClinVar contains an entry for this variant (Variation ID: 1929436). An algorithm developed to predict the effect of missense changes on protein structure and function (PolyPhen-2) suggests that this variant is likely to be tolerated. In summary, the available evidence is currently insufficient to determine the role of this variant in disease. Therefore, it has been classified as a Variant of Uncertain Significance.

NM_181836.6(TMED7):c.250G>C (p.Val84Leu)

Genes: TMED7-TICAM2 (TMED7-TICAM2 readthrough; minus strand), TMED7 (transmembrane p24 trafficking protein 7; minus strand). Cytogenetic location: 5q22.3.
Variant type: single nucleotide variant.
Coding change: c.250G>C on transcript NM_181836.6 (MANE Select); coding-DNA position 250, G replaced by C.
Protein change: p.Val84Leu; replaces valine 84 with leucine.
Molecular consequence: missense variant.
Genome position (GRCh38, 1-based): chr5:115,620,623, C>G on the plus strand (G>C on the coding strand, the complement: TMED7 is on the minus strand). VCF-style: chr5-115620623-C-G. GRCh37 (hg19) VCF-style: chr5-114956320-C-G.
Other names: c.250G>C, p.Val84Leu (NM_001164468.4, NM_001164469.4); short protein forms V84L.
Identifiers: ClinVar variation 1929436 (VCV001929436.5), dbSNP rs780112816, ClinGen allele CA3375193.
Genomic context (GRCh38, chr5:115,620,623, plus strand): 5'-CATTTTTGGAGGCTGTGAAGGTAAAACTATCATACTGTTTCTTCATCTCTTTGTATAACA[C>G]TTTACCATCAGGATCTTCTAATCGACAATCTACATCATAGTGACCACCAGTAATCACCTG-3'
Protein context (NP_861974.1, residues 74-94): DCRLEDPDGK[Val84Leu]LYKEMKKQYD